The following is an entry in ClinVar:

ClinVar aggregate classification (germline): Conflicting classifications of pathogenicity. Review status: criteria provided, conflicting classifications (1 of 4 stars). 5 submissions from 5 submitters: Uncertain significance (2); Benign (1); Likely benign (1). 1 of the submissions does not count toward it. Last evaluated 2026-08-01.

Conditions:
MYO7A-related disorder. Also called: MYO7A-related disorders.
Autosomal recessive nonsyndromic hearing loss 2. Also called: DEAFNESS, AUTOSOMAL RECESSIVE 2; NEUROSENSORY NONSYNDROMIC RECESSIVE DEAFNESS 2. Identifiers: Orphanet 90636, MedGen C1838701, MONDO:0010807, OMIM 600060.
Usher syndrome type 1 (USH1). Also called: RETINITIS PIGMENTOSA AND CONGENITAL DEAFNESS. Identifiers: Orphanet 231169, Orphanet 886, MedGen C1568247, MONDO:0010168, OMIM 276900.

Allele frequency attached by ClinVar (database versions not stated): gnomAD 0.00001 and 0.00002; TOPMed 0.00001; gnomAD exomes 0.00003 and 0.00005; ExAC 0.00006.
gnomAD v4.1: 82 of 1,607,454 alleles (0.0051%); highest among the groups gnomAD compares: East Asian, 0.15%; no homozygotes.

Submissions (5):

PreventionGenetics, part of Exact Sciences
Classification: Uncertain significance for MYO7A-related condition. Last evaluated: 2026-08-01. Review status: criteria provided, single submitter. Criteria: ACMG Guidelines, 2015. Collection method: clinical testing. Allele origin: germline.
Comment: The MYO7A c.4360G>A variant is predicted to result in the amino acid substitution p.Val1454Ile. This variant was reported, along with a second variant in the same gene, in individuals with Usher syndrome or hearing loss (Jiang et al. 2015. PubMed ID: 26338283; supplementary data, Hao et al. 2024. PubMed ID: 39443691). This variant is reported in 0.034% of alleles in individuals of East Asian descent in gnomAD. At this time, the clinical significance of this variant is uncertain due to the absence of conclusive functional and genetic evidence.

Labcorp Genetics (formerly Invitae), Labcorp
Classification: Uncertain significance. Last evaluated: 2022-09-12. Review status: criteria provided, single submitter. Criteria: Invitae Variant Classification Sherloc (09022015). Collection method: clinical testing. Allele origin: germline.
Comment: This sequence change replaces valine, which is neutral and non-polar, with isoleucine, which is neutral and non-polar, at codon 1454 of the MYO7A protein (p.Val1454Ile). This variant is present in population databases (rs397516309, gnomAD 0.04%). This missense change has been observed in individual(s) with Usher syndrome (PMID: 26338283). ClinVar contains an entry for this variant (Variation ID: 43237). Advanced modeling of protein sequence and biophysical properties (such as structural, functional, and spatial information, amino acid conservation, physicochemical variation, residue mobility, and thermodynamic stability) performed at Invitae indicates that this missense variant is not expected to disrupt MYO7A protein function. In summary, the available evidence is currently insufficient to determine the role of this variant in disease. Therefore, it has been classified as a Variant of Uncertain Significance.

Mendelics
Classification: Benign for Autosomal recessive nonsyndromic hearing loss 2. Last evaluated: 2019-05-28. Review status: criteria provided, single submitter. Criteria: Mendelics Assertion Criteria 2017. Collection method: clinical testing. Allele origin: unknown.

Laboratory for Molecular Medicine, Mass General Brigham Personalized Medicine
Classification: Likely benign. Last evaluated: 2011-02-17. Review status: criteria provided, single submitter. Criteria: LMM Criteria. Collection method: clinical testing. Allele origin: germline. Observed: 1 variant allele.
Comment: Val1454Ile in exon 33 of MYO7A: This variant is not expected to have clinical si gnificance because computational analyses (PolyPhen2, SIFT, AlignGVGD) do not su ggest a high likelihood of impact to the protein. Of note, fruitfly has an isole ucine at this position despite high nearby amino acid conservation.

Counsyl
Classification: Uncertain significance for Usher syndrome type 1; Autosomal recessive nonsyndromic hearing loss 2. Last evaluated: 2017-03-17. Review status: no assertion criteria provided. Collection method: clinical testing. Allele origin: unknown. Not counted in ClinVar's aggregate classification.

Literature cited by the submitters: PubMed 26338283 (cited by Labcorp Genetics (formerly Invitae), Labcorp and Counsyl).

NM_000260.4(MYO7A):c.4360G>A (p.Val1454Ile)

Gene: MYO7A (myosin VIIA; plus strand). Cytogenetic location: 11q13.5.
Variant type: single nucleotide variant.
Coding change: c.4360G>A on transcript NM_000260.4 (MANE Select); coding-DNA position 4360, G replaced by A.
Protein change: p.Val1454Ile; replaces valine 1454 with isoleucine.
Molecular consequence: missense variant.
Genome position (GRCh38, 1-based): chr11:77,197,517, G>A. VCF-style: chr11-77197517-G-A. GRCh37 (hg19) VCF-style: chr11-76908562-G-A.
Other names: c.4360G>A, p.Val1454Ile (NM_001127180.2); c.4327G>A, p.Val1443Ile (NM_001369365.1); short protein forms V1454I, V1443I.
Identifiers: ClinVar variation 43237 (VCV000043237.11), dbSNP rs397516309, ClinGen allele CA132320.